The following is an entry in ClinVar:

ClinVar aggregate classification (germline): Uncertain significance (1 of 4 stars; one submission).

Conditions:
Tuberous sclerosis 2 (TSC2). Identifiers: Orphanet 805, MedGen C1860707, MONDO:0013199, OMIM 613254.

Submission:

Labcorp Genetics (formerly Invitae), Labcorp
Classification: Uncertain significance for Tuberous sclerosis 2. Last evaluated: 2018-09-08. Review status: criteria provided, single submitter. Criteria: Invitae Variant Classification Sherloc (09022015). Collection method: clinical testing. Allele origin: germline.
Comment: This sequence change replaces asparagine with lysine at codon 1205 of the TSC2 protein (p.Asn1205Lys). The asparagine residue is highly conserved and there is a moderate physicochemical difference between asparagine and lysine. This variant is not present in population databases (ExAC no frequency). This variant has not been reported in the literature in individuals with TSC2-related disease. Algorithms developed to predict the effect of missense changes on protein structure and function are either unavailable or do not agree on the potential impact of this missense change (SIFT: "Deleterious"; PolyPhen-2: "Probably Damaging"; Align-GVGD: "Class C0"). In summary, the available evidence is currently insufficient to determine the role of this variant in disease. Therefore, it has been classified as a Variant of Uncertain Significance.

NM_000548.5(TSC2):c.3615C>G (p.Asn1205Lys)

Gene: TSC2 (TSC complex subunit 2; plus strand). Cytogenetic location: 16p13.3.
Variant type: single nucleotide variant.
Coding change: c.3615C>G on transcript NM_000548.5 (MANE Select); coding-DNA position 3615, C replaced by G.
Protein change: p.Asn1205Lys; replaces asparagine 1205 with lysine.
Molecular consequence: missense variant.
Genome position (GRCh38, 1-based): chr16:2,081,599, C>G. VCF-style: chr16-2081599-C-G. GRCh37 (hg19) VCF-style: chr16-2131600-C-G.
Other names: c.3483C>G, p.Asn1161Lys (NM_001077183.3, NM_001370404.1); c.3615C>G, p.Asn1205Lys (NM_001114382.3); c.3375C>G, p.Asn1125Lys (NM_001318827.2); c.3339C>G, p.Asn1113Lys (NM_001318829.2); c.2883C>G, p.Asn961Lys (NM_001318831.2); c.3516C>G, p.Asn1172Lys (NM_001318832.2); c.3486C>G, p.Asn1162Lys (NM_001363528.2, NM_001370405.1, NM_021055.3); short protein forms N1113K, N1161K, N1205K, N961K, N1125K, N1162K, N1172K.
Identifiers: ClinVar variation 648981 (VCV000648981.8), dbSNP rs924403519, ClinGen allele CA394291418.